The following is an entry in ClinVar:

ClinVar aggregate classification (germline): Uncertain significance (1 of 4 stars; one submission).

Conditions:
Pityriasis rubra pilaris (PRP). Also called: Pityriasis rubra pilaris--familial type. Identifiers: Orphanet 2897, MedGen C0032027, MONDO:0100017, OMIM 173200, MONDO:0008251.
Psoriasis 2. Identifiers: MedGen C1864497, MONDO:0011269, OMIM 602723.

Submission:

Labcorp Genetics (formerly Invitae), Labcorp
Classification: Uncertain significance for Pityriasis rubra pilaris; Psoriasis 2. Last evaluated: 2019-05-29. Review status: criteria provided, single submitter. Criteria: Invitae Variant Classification Sherloc (09022015). Collection method: clinical testing. Allele origin: germline.
Comment: This sequence change replaces histidine with arginine at codon 59 of the CARD14 protein (p.His59Arg). The histidine residue is highly conserved and there is a small physicochemical difference between histidine and arginine. This variant is not present in population databases (ExAC no frequency). This variant has not been reported in the literature in individuals with CARD14-related conditions. Algorithms developed to predict the effect of missense changes on protein structure and function are either unavailable or do not agree on the potential impact of this missense change (SIFT: "Deleterious"; PolyPhen-2: "Probably Damaging"; Align-GVGD: "Class C0"). In summary, the available evidence is currently insufficient to determine the role of this variant in disease. Therefore, it has been classified as a Variant of Uncertain Significance.

NM_001366385.1(CARD14):c.176A>G (p.His59Arg)

Gene: CARD14 (caspase recruitment domain family member 14; plus strand). Cytogenetic location: 17q25.3.
Variant type: single nucleotide variant.
Coding change: c.176A>G on transcript NM_001366385.1 (MANE Select); coding-DNA position 176, A replaced by G.
Protein change: p.His59Arg; replaces histidine 59 with arginine.
Molecular consequence: missense variant. On other transcripts: non-coding transcript variant (1).
Genome position (GRCh38, 1-based): chr17:80,181,614, A>G. VCF-style: chr17-80181614-A-G. GRCh37 (hg19) VCF-style: chr17-78155413-A-G.
Other names: c.176A>G, p.His59Arg (NM_001257970.1, NM_024110.4); short protein forms H59R.
Identifiers: ClinVar variation 941809 (VCV000941809.10), dbSNP rs1171263657, ClinGen allele CA401331853.